The following is an entry in ClinVar:

ClinVar aggregate classification (germline): Uncertain significance (1 of 4 stars; one submission).

Conditions:
Epilepsy. Also called: Seizure disorder. Identifiers: MedGen C0014544, MeSH D004827, MONDO:0005027.

Submission:

Labcorp Genetics (formerly Invitae), Labcorp
Classification: Uncertain significance for Epilepsy. Last evaluated: 2022-05-04. Review status: criteria provided, single submitter. Criteria: Invitae Variant Classification Sherloc (09022015). Collection method: clinical testing. Allele origin: germline.
Comment: This variant has not been reported in the literature in individuals affected with PIGQ-related conditions. This variant is not present in population databases (gnomAD no frequency). This sequence change replaces proline, which is neutral and non-polar, with alanine, which is neutral and non-polar, at codon 42 of the PIGQ protein (p.Pro42Ala). In summary, the available evidence is currently insufficient to determine the role of this variant in disease. Therefore, it has been classified as a Variant of Uncertain Significance. Algorithms developed to predict the effect of missense changes on protein structure and function are either unavailable or do not agree on the potential impact of this missense change (SIFT: "Tolerated"; PolyPhen-2: "Probably Damaging"; Align-GVGD: "Class C0").

NM_004204.5(PIGQ):c.124C>G (p.Pro42Ala)

Gene: PIGQ (phosphatidylinositol glycan anchor biosynthesis class Q; plus strand). Cytogenetic location: 16p13.3.
Variant type: single nucleotide variant.
Coding change: c.124C>G on transcript NM_004204.5 (MANE Select); coding-DNA position 124, C replaced by G.
Protein change: p.Pro42Ala; replaces proline 42 with alanine.
Molecular consequence: missense variant.
Genome position (GRCh38, 1-based): chr16:574,198, C>G. VCF-style: chr16-574198-C-G. GRCh37 (hg19) VCF-style: chr16-624198-C-G.
Other names: c.124C>G, p.Pro42Ala (NM_148920.4); short protein forms P42A.
Identifiers: ClinVar variation 2133592 (VCV002133592.4), dbSNP rs2505930761, ClinGen allele CA394045896.